The following is an entry in ClinVar:

ClinVar aggregate classification (germline): Benign (1 of 4 stars; one submission).

Conditions:
Leigh syndrome (NULS). Also called: Leigh's necrotizing encephalopathy; Leigh's disease; Leigh's syndrome; LEIGH SYNDROME, NUCLEAR; Leigh Syndrome (mtDNA deletion); Leigh Disease. Identifiers: Orphanet 506, MedGen C2931891, MONDO:0009723, OMIM 256000.

Submission:

Wong Mito Lab, Molecular and Human Genetics, Baylor College of Medicine
Classification: Benign for Leigh syndrome. Last evaluated: 2019-10-17. Review status: criteria provided, single submitter. Criteria: Modified ACMG Guidelines (Unpublished). Collection method: clinical testing. Allele origin: germline.
Comment: The NC_012920.1:m.15885C>T (YP_003024038.1:p.Ala380Val) variant in MTCYB gene is interpretated to be a Benign variant based on the modified ACMG guidelines (unpublished). This variant meets the following evidence codes: BS1, BS2

NC_012920.1(MT-CYB):m.15885C>T

Gene: MT-CYB (mitochondrially encoded cytochrome b; plus strand).
Variant type: single nucleotide variant.
Genome position: chrM-15885-C-T.
Identifiers: ClinVar variation 693973 (VCV000693973.1), dbSNP rs1603225562, ClinGen allele CA913175112.